The following is an entry in ClinVar:

ClinVar aggregate classification (germline): Uncertain significance (1 of 4 stars; one submission).

gnomAD v4.1: 1 of 1,608,318 alleles (0.000062%); highest among the groups gnomAD compares: Non-Finnish European, 0.000085%; no homozygotes.

Submission:

Labcorp Genetics (formerly Invitae), Labcorp
Classification: Uncertain significance. Last evaluated: 2022-09-19. Review status: criteria provided, single submitter. Criteria: Invitae Variant Classification Sherloc (09022015). Collection method: clinical testing. Allele origin: germline.
Comment: This sequence change affects codon 410 of the MICAL1 mRNA. It is a 'silent' change, meaning that it does not change the encoded amino acid sequence of the MICAL1 protein. This variant is not present in population databases (gnomAD no frequency). This variant has not been reported in the literature in individuals affected with MICAL1-related conditions. Algorithms developed to predict the effect of sequence changes on RNA splicing suggest that this variant may create or strengthen a splice site. In summary, the available evidence is currently insufficient to determine the role of this variant in disease. Therefore, it has been classified as a Variant of Uncertain Significance.

NM_022765.4(MICAL1):c.1173G>A (p.Val391=)

Gene: MICAL1 (microtubule associated monooxygenase, calponin and LIM domain containing 1; minus strand). Cytogenetic location: 6q21.
Variant type: single nucleotide variant.
Coding change: c.1173G>A on transcript NM_022765.4 (MANE Select); coding-DNA position 1173, G replaced by A.
Protein change: p.Val391=; no amino-acid change (valine 391 retained).
Molecular consequence: synonymous variant. On other transcripts: intron variant (1).
Genome position (GRCh38, 1-based): chr6:109,450,318, C>T on the plus strand (G>A on the coding strand, the complement: MICAL1 is on the minus strand). VCF-style: chr6-109450318-C-T. GRCh37 (hg19) VCF-style: chr6-109771521-C-T.
Other names: c.1230G>A, p.Val410= (NM_001286613.2); c.934-233G>A (NM_001159291.2).
Identifiers: ClinVar variation 1954108 (VCV001954108.5), dbSNP rs1398285421, ClinGen allele CA451911784.